The following is an entry in ClinVar:

ClinVar aggregate classification (germline): Uncertain significance (1 of 4 stars; one submission).

Submission:

Ambry Genetics
Classification: Uncertain significance. Last evaluated: 2023-01-12. Review status: criteria provided, single submitter. Criteria: Ambry Variant Classification Scheme 2023. Collection method: clinical testing. Allele origin: germline.
Comment: The c.406_408delGTC variant (also known as p.V136del) is located in coding exon 4 of the RECQL gene. This variant results from an in-frame GTC deletion at nucleotide positions 406 to 408. This results in the in-frame deletion of a valine at codon 136. This amino acid position is highly conserved in available vertebrate species. In addition, this alteration is predicted to be deleterious by in silico analysis (Choi Y et al. PLoS ONE. 2012; 7(10):e46688). The evidence for this gene-disease relationship is limited; therefore, the clinical significance of this alteration is unclear.

NM_002907.4(RECQL):c.406_408del (p.Val136del)

Gene: RECQL (RecQ like helicase; minus strand). Cytogenetic location: 12p12.1.
Variant type: Deletion.
Coding change: c.406_408del on transcript NM_002907.4 (MANE Select); coding-DNA positions 406 to 408, 3 bases deleted (GTC; older notation c.406_408delGTC).
Protein change: p.Val136del; deletes valine 136.
Molecular consequence: inframe deletion.
Genome position (GRCh38, 1-based): chr12:21,486,572-21,486,574, GAC deleted on the plus strand (GTC on the coding strand, the reverse complement: RECQL is on the minus strand); deleting any 3 consecutive bases within chr12:21,486,572-21,486,576 gives the same sequence; the c. name uses the placement nearest the transcript's 3' end. VCF-style (leftmost placement, unchanged base first): chr12-21486571-TGAC-T. GRCh37 (hg19) VCF-style: chr12-21639505-TGAC-T.
Other names: c.406_408del, p.Val136del (NM_032941.3); short protein forms V136del.
Identifiers: ClinVar variation 2450970 (VCV002450970.2), dbSNP rs2540387459, ClinGen allele CA2580085246.